The following is an entry in ClinVar:

NM_000540.3(RYR1):c.13082C>T (p.Ser4361Leu)

Gene: RYR1 (ryanodine receptor 1; plus strand). Cytogenetic location: 19q13.2.
Variant type: single nucleotide variant.
Coding change: c.13082C>T on transcript NM_000540.3 (MANE Select); coding-DNA position 13082, C replaced by T.
Protein change: p.Ser4361Leu; replaces serine 4361 with leucine.
Molecular consequence: missense variant.
Genome position (GRCh38, 1-based): chr19:38,565,416, C>T. VCF-style: chr19-38565416-C-T. GRCh37 (hg19) VCF-style: chr19-39056056-C-T.
Other names: p.Ser4361Leu; c.13067C>T, p.Ser4356Leu (NM_001042723.2); short protein forms S4361L, S4356L.
Identifiers: ClinVar variation 577804 (VCV000577804.16), dbSNP rs1385549951, ClinGen allele CA405673395.

ClinVar aggregate classification (germline): Uncertain significance. Review status: criteria provided, multiple submitters, no conflicts (2 of 4 stars). 4 submissions from 4 submitters: Uncertain significance (4). Last evaluated 2026-09-14.

Conditions:
RYR1-related disorder. Also called: RYR1-related disorders; RYR1-related condition. Identifiers: MedGen CN239331.
Inborn genetic diseases. Identifiers: MedGen C0950123, MeSH D030342.

Allele frequency attached by ClinVar (database versions not stated): TOPMed 0.00001; gnomAD exomes 0.00002; gnomAD 0.00003.
gnomAD v4.1: 32 of 1,483,096 alleles (0.0022%); highest among the groups gnomAD compares: Non-Finnish European, 0.0028%; no homozygotes.

Submissions (4):

Ambry Genetics
Classification: Uncertain significance for Inborn genetic diseases. Last evaluated: 2026-09-14. Review status: criteria provided, single submitter. Criteria: Ambry Variant Classification Scheme 2023. Collection method: clinical testing. Allele origin: germline.

Labcorp Genetics (formerly Invitae), Labcorp
Classification: Uncertain significance for RYR1-related disorder. Last evaluated: 2025-08-18. Review status: criteria provided, single submitter. Criteria: Invitae Variant Classification Sherloc (09022015). Collection method: clinical testing. Allele origin: germline.
Comment: This sequence change replaces serine, which is neutral and polar, with leucine, which is neutral and non-polar, at codon 4361 of the RYR1 protein (p.Ser4361Leu). This variant is present in population databases (no rsID available, gnomAD 0.002%). This variant has not been reported in the literature in individuals affected with RYR1-related conditions. ClinVar contains an entry for this variant (Variation ID: 577804). Invitae Evidence Modeling of protein sequence and biophysical properties (such as structural, functional, and spatial information, amino acid conservation, physicochemical variation, residue mobility, and thermodynamic stability) indicates that this missense variant is not expected to disrupt RYR1 protein function with a negative predictive value of 95%. In summary, the available evidence is currently insufficient to determine the role of this variant in disease. Therefore, it has been classified as a Variant of Uncertain Significance.

Revvity Omics, Revvity
Classification: Uncertain significance. Last evaluated: 2022-03-31. Review status: criteria provided, single submitter. Criteria: ACMG Guidelines, 2015. Collection method: clinical testing. Allele origin: germline.

Mayo Clinic Laboratories, Mayo Clinic
Classification: Uncertain significance. Last evaluated: 2021-08-20. Review status: criteria provided, single submitter. Criteria: ACMG Guidelines, 2015. Collection method: clinical testing. Allele origin: germline.